The following is an entry in ClinVar:

NM_001005273.3(CHD3):c.4353G>C (p.Glu1451Asp)

Gene: CHD3 (chromodomain helicase DNA binding protein 3; plus strand). Cytogenetic location: 17p13.1.
Variant type: single nucleotide variant.
Coding change: c.4353G>C on transcript NM_001005273.3 (MANE Select); coding-DNA position 4353, G replaced by C.
Protein change: p.Glu1451Asp; replaces glutamic acid 1451 with aspartic acid.
Molecular consequence: missense variant.
Genome position (GRCh38, 1-based): chr17:7,905,984, G>C. VCF-style: chr17-7905984-G-C. GRCh37 (hg19) VCF-style: chr17-7809302-G-C.
Other names: c.4353G>C, p.Glu1451Asp (NM_005852.4); c.4530G>C, p.Glu1510Asp (NM_001005271.3, NM_001437504.1); c.4518G>C, p.Glu1506Asp (NM_001437507.1, NM_001437508.1, NM_001437509.1); short protein forms E1451D, E1506D, E1510D.
Identifiers: ClinVar variation 4885962 (VCV004885962.2).

ClinVar aggregate classification (germline): Uncertain significance (1 of 4 stars; one submission).

Submission:

Dasa
Classification: Uncertain significance. Last evaluated: 2025-10-03. Review status: criteria provided, single submitter. Criteria: DASA Assertion Criteria. Collection method: clinical testing. Allele origin: germline.
Comment: NM_001005273.3(CHD3):c.4353G>C (p.Glu1451Asp) is a missense variant that results in the substitution of glutamic acid with aspartic acid. This variant is absent from population databases. The currently available literature and clinical evidence are not sufficient to establish a definitive association between this variant and the reported condition. Therefore, this variant is classified as a variant of uncertain significance.